The following is an entry in ClinVar:

NM_001365999.1(SZT2):c.8855T>A (p.Leu2952His)

Gene: SZT2 (SZT2 subunit of KICSTOR complex; plus strand). Cytogenetic location: 1p34.2.
Variant type: single nucleotide variant.
Coding change: c.8855T>A on transcript NM_001365999.1 (MANE Select); coding-DNA position 8855, T replaced by A.
Protein change: p.Leu2952His; replaces leucine 2952 with histidine.
Molecular consequence: missense variant.
Genome position (GRCh38, 1-based): chr1:43,445,923, T>A. VCF-style: chr1-43445923-T-A. GRCh37 (hg19) VCF-style: chr1-43911594-T-A.
Other names: c.8684T>A, p.Leu2895His (NM_015284.4); short protein forms L2952H, L2895H.
Identifiers: ClinVar variation 954662 (VCV000954662.7), dbSNP rs778885659, ClinGen allele CA810723.
Genomic context (GRCh38, chr1:43,445,923, plus strand): 5'-TCATCCTCTTATCCCTCCTCCTTTTCTATAGCACCAGCCGGCCACGGGCCATGGCTATCC[T>A]TGGAACAGAGGGTCGAGGCTCCTTCTCCTGCCCTAAAACCAAGACTGATGGGAGCCCCAA-3'
Protein context (NP_001352928.1, residues 2942-2962): STSRPRAMAI[Leu2952His]GTEGRGSFSC

ClinVar aggregate classification (germline): Uncertain significance (1 of 4 stars; one submission).

Allele frequency attached by ClinVar (database versions not stated): gnomAD exomes below 0.00001 and 0.00001; ExAC 0.00001; gnomAD 0.00004 and 0.00005; TOPMed 0.00004.
gnomAD v4.1: 9 of 1,614,134 alleles (0.00056%); highest among the groups gnomAD compares: African/African-American, 0.011%; no homozygotes.

Submission:

Labcorp Genetics (formerly Invitae), Labcorp
Classification: Uncertain significance. Last evaluated: 2022-07-16. Review status: criteria provided, single submitter. Criteria: Invitae Variant Classification Sherloc (09022015). Collection method: clinical testing. Allele origin: germline.
Comment: This sequence change replaces leucine, which is neutral and non-polar, with histidine, which is basic and polar, at codon 2895 of the SZT2 protein (p.Leu2895His). This variant is present in population databases (rs778885659, gnomAD 0.02%). This variant has not been reported in the literature in individuals affected with SZT2-related conditions. ClinVar contains an entry for this variant (Variation ID: 954662). Algorithms developed to predict the effect of missense changes on protein structure and function (SIFT, PolyPhen-2, Align-GVGD) all suggest that this variant is likely to be disruptive. In summary, the available evidence is currently insufficient to determine the role of this variant in disease. Therefore, it has been classified as a Variant of Uncertain Significance.